The following is an entry in ClinVar:

NM_199420.4(POLQ):c.5888T>C (p.Val1963Ala)

Gene: POLQ (DNA polymerase theta; minus strand). Cytogenetic location: 3q13.33.
Variant type: single nucleotide variant.
Coding change: c.5888T>C on transcript NM_199420.4 (MANE Select); coding-DNA position 5888, T replaced by C.
Protein change: p.Val1963Ala; replaces valine 1963 with alanine.
Molecular consequence: missense variant.
Genome position (GRCh38, 1-based): chr3:121,483,468, A>G on the plus strand (T>C on the coding strand, the complement: POLQ is on the minus strand). VCF-style: chr3-121483468-A-G. GRCh37 (hg19) VCF-style: chr3-121202315-A-G.
Other names: short protein forms V1963A.
Identifiers: ClinVar variation 2448945 (VCV002448945.2), dbSNP rs2546781702, ClinGen allele CA354088570.
Genomic context (GRCh38, chr3:121,483,468, plus strand): 5'-TCCAAGGAGATGCCACAAGAAAGAAGAAGAATTTTATAGCTCTGGATGAAGTCATAGATG[A>G]CAACAGAACATTCTTTATCAGATTCCTTTCGCAAGCAAGATTGAAGGTACCACATCCTGT-3'
Protein context (NP_955452.3, residues 1953-1973): RKESDKECSV[Val1963Ala]IYDFIQSYKI

ClinVar aggregate classification (germline): Uncertain significance (1 of 4 stars; one submission).

Submission:

Ambry Genetics
Classification: Uncertain significance. Last evaluated: 2022-12-18. Review status: criteria provided, single submitter. Criteria: Ambry Variant Classification Scheme 2023. Collection method: clinical testing. Allele origin: germline.
Comment: The p.V1963A variant (also known as c.5888T>C), located in coding exon 18 of the POLQ gene, results from a T to C substitution at nucleotide position 5888. The valine at codon 1963 is replaced by alanine, an amino acid with similar properties. This amino acid position is conserved. In addition, this alteration is predicted to be tolerated by in silico analysis. Since supporting evidence is limited at this time, the clinical significance of this alteration remains unclear.